The following is an entry in ClinVar:

NM_001040142.2(SCN2A):c.1263G>A (p.Leu421=)

Gene: SCN2A (sodium voltage-gated channel alpha subunit 2; plus strand). Cytogenetic location: 2q24.3.
Variant type: single nucleotide variant.
Coding change: c.1263G>A on transcript NM_001040142.2 (MANE Select); coding-DNA position 1263, G replaced by A.
Protein change: p.Leu421=; no amino-acid change (leucine 421 retained).
Molecular consequence: synonymous variant.
Genome position (GRCh38, 1-based): chr2:165,313,988, G>A. VCF-style: chr2-165313988-G-A. GRCh37 (hg19) VCF-style: chr2-166170498-G-A.
Other names: c.1263G>A, p.Leu421= (NM_001040143.2, NM_001371246.1, NM_001371247.1 and 1 more transcripts).
Identifiers: ClinVar variation 1803664 (VCV001803664.6), dbSNP rs2467902705, ClinGen allele CA429884878.
Genomic context (GRCh38, chr2:165,313,988, plus strand): 5'-CATGATATTTTTTGTGCTGGTCATTTTCTTGGGCTCATTCTATCTAATAAATTTGATCTT[G>A]GCTGTGGTGGCCATGGCCTATGAGGAACAGAATCAGGCCACATTGGAAGAGGCTGAACAG-3'
Protein context (NP_001035232.1, residues 411-431): LGSFYLINLI[Leu421=]AVVAMAYEEQ

ClinVar aggregate classification (germline): Uncertain significance. Review status: criteria provided, multiple submitters, no conflicts (2 of 4 stars). 2 submissions from 2 submitters: Uncertain significance (2). Last evaluated 2022-06-10.

Conditions:
Developmental and epileptic encephalopathy, 11 (DEE11). Also called: Early infantile epileptic encephalopathy 11. Identifiers: Orphanet 1934, MedGen C3150987, MONDO:0013388, OMIM 613721.
Seizures, benign familial infantile, 3 (BFIS3). Also called: CONVULSIONS, BENIGN FAMILIAL INFANTILE, 3; Familial neonatal seizures. Identifiers: Orphanet 140927, Orphanet 306, MedGen C1843140, MONDO:0011904, OMIM 607745.

Submissions (2):

GeneDx
Classification: Uncertain significance. Last evaluated: 2022-06-10. Review status: criteria provided, single submitter. Criteria: GeneDx Variant Classification Process June 2021. Collection method: clinical testing. Allele origin: germline. Affected: yes.
Comment: Not observed at significant frequency in large population cohorts (gnomAD); In silico analysis, which includes splice predictors and evolutionary conservation, suggests this variant may impact gene splicing. In the absence of RNA/functional studies, the actual effect of this sequence change is unknown.; Has not been previously published as pathogenic or benign to our knowledge

Labcorp Genetics (formerly Invitae), Labcorp
Classification: Uncertain significance for Seizures, benign familial infantile, 3; Developmental and epileptic encephalopathy, 11. Last evaluated: 2022-05-20. Review status: criteria provided, single submitter. Criteria: Invitae Variant Classification Sherloc (09022015). Collection method: clinical testing. Allele origin: germline.
Comment: This sequence change affects codon 421 of the SCN2A mRNA. It is a 'silent' change, meaning that it does not change the encoded amino acid sequence of the SCN2A protein. In summary, the available evidence is currently insufficient to determine the role of this variant in disease. Therefore, it has been classified as a Variant of Uncertain Significance. Algorithms developed to predict the effect of sequence changes on RNA splicing suggest that this variant may create or strengthen a splice site. This variant has not been reported in the literature in individuals affected with SCN2A-related conditions. This variant is not present in population databases (gnomAD no frequency).